The following is an entry in ClinVar:

NM_019109.5(ALG1):c.728C>T (p.Pro243Leu)

Gene: ALG1 (ALG1 chitobiosyldiphosphodolichol beta-mannosyltransferase; plus strand). Cytogenetic location: 16p13.3.
Variant type: single nucleotide variant.
Coding change: c.728C>T on transcript NM_019109.5 (MANE Select); coding-DNA position 728, C replaced by T.
Protein change: p.Pro243Leu; replaces proline 243 with leucine.
Molecular consequence: missense variant.
Genome position (GRCh38, 1-based): chr16:5,078,005, C>T. VCF-style: chr16-5078005-C-T. GRCh37 (hg19) VCF-style: chr16-5128006-C-T.
Other names: c.728C>T (NM_019109.4); c.395C>T, p.Pro132Leu (NM_001330504.2); short protein forms P132L, P243L.
Identifiers: ClinVar variation 1001041 (VCV001001041.8), dbSNP rs570334955, ClinGen allele CA7889971.

ClinVar aggregate classification (germline): Uncertain significance. Review status: criteria provided, multiple submitters, no conflicts (2 of 4 stars). 3 submissions from 3 submitters: Uncertain significance (3). Last evaluated 2022-02-05.

Conditions:
Inborn genetic diseases. Identifiers: MedGen C0950123, MeSH D030342.
ALG1-congenital disorder of glycosylation. Also called: ALG1-CDG; CONGENITAL DISORDER OF GLYCOSYLATION, TYPE Ik; CDG Ik. Identifiers: Orphanet 79327, MedGen C2931005, MONDO:0012052, OMIM 608540.

Allele frequency attached by ClinVar (database versions not stated): gnomAD exomes 0.00005; ExAC 0.00006; gnomAD 0.00006 and 0.00008; TOPMed 0.00008; 1000 Genomes Project 30x 0.00016; 1000 Genomes Project 0.00020.
gnomAD v4.1: 55 of 1,599,306 alleles (0.0034%); highest among the groups gnomAD compares: East Asian, 0.049%; no homozygotes.

Submissions (3):

Labcorp Genetics (formerly Invitae), Labcorp
Classification: Uncertain significance for ALG1-congenital disorder of glycosylation. Last evaluated: 2022-02-05. Review status: criteria provided, single submitter. Criteria: Invitae Variant Classification Sherloc (09022015). Collection method: clinical testing. Allele origin: germline.
Comment: This sequence change replaces proline, which is neutral and non-polar, with leucine, which is neutral and non-polar, at codon 243 of the ALG1 protein (p.Pro243Leu). This variant is present in population databases (rs570334955, gnomAD 0.03%). This variant has not been reported in the literature in individuals affected with ALG1-related conditions. ClinVar contains an entry for this variant (Variation ID: 1001041). Advanced modeling of protein sequence and biophysical properties (such as structural, functional, and spatial information, amino acid conservation, physicochemical variation, residue mobility, and thermodynamic stability) performed at Invitae indicates that this missense variant is not expected to disrupt ALG1 protein function. In summary, the available evidence is currently insufficient to determine the role of this variant in disease. Therefore, it has been classified as a Variant of Uncertain Significance.

Fulgent Genetics
Classification: Uncertain significance for ALG1-congenital disorder of glycosylation. Last evaluated: 2021-10-19. Review status: criteria provided, single submitter. Criteria: ACMG Guidelines, 2015. Collection method: clinical testing. Allele origin: unknown.

Ambry Genetics
Classification: Uncertain significance for Inborn genetic diseases. Last evaluated: 2021-09-27. Review status: criteria provided, single submitter. Criteria: Ambry Variant Classification Scheme 2023. Collection method: clinical testing. Allele origin: germline.